The following is an entry in ClinVar:

NM_000018.4(ACADVL):c.1486G>A (p.Gly496Arg)

Gene: ACADVL (acyl-CoA dehydrogenase very long chain; plus strand). Cytogenetic location: 17p13.1.
Variant type: single nucleotide variant.
Coding change: c.1486G>A on transcript NM_000018.4 (MANE Select); coding-DNA position 1486, G replaced by A.
Protein change: p.Gly496Arg; replaces glycine 496 with arginine.
Molecular consequence: missense variant.
Genome position (GRCh38, 1-based): chr17:7,224,197, G>A. VCF-style: chr17-7224197-G-A. GRCh37 (hg19) VCF-style: chr17-7127516-G-A.
Other names: c.1420G>A, p.Gly474Arg (NM_001033859.3); c.1555G>A, p.Gly519Arg (NM_001270447.2); c.1258G>A, p.Gly420Arg (NM_001270448.2); short protein forms G519R, G420R, G474R, G496R.
Identifiers: ClinVar variation 2119203 (VCV002119203.4), dbSNP rs1161498537, ClinGen allele CA397725229.

ClinVar aggregate classification (germline): Uncertain significance (1 of 4 stars; one submission).

Conditions:
Very long chain acyl-CoA dehydrogenase deficiency (ACADVLD). Also called: VLCAD Deficiency; Very Long-Chain Acyl-Coenzyme A Dehydrogenase Deficiency. Identifiers: Orphanet 26793, MedGen C3887523, MONDO:0008723, OMIM 201475.

gnomAD v4.1: 1 of 1,614,112 alleles (0.000062%); highest among the groups gnomAD compares: South Asian, 0.0011%; no homozygotes.

Submission:

Labcorp Genetics (formerly Invitae), Labcorp
Classification: Uncertain significance for Very long chain acyl-CoA dehydrogenase deficiency. Last evaluated: 2022-04-21. Review status: criteria provided, single submitter. Criteria: Invitae Variant Classification Sherloc (09022015). Collection method: clinical testing. Allele origin: germline.
Comment: This sequence change replaces glycine, which is neutral and non-polar, with arginine, which is basic and polar, at codon 496 of the ACADVL protein (p.Gly496Arg). In summary, the available evidence is currently insufficient to determine the role of this variant in disease. Therefore, it has been classified as a Variant of Uncertain Significance. Advanced modeling of protein sequence and biophysical properties (such as structural, functional, and spatial information, amino acid conservation, physicochemical variation, residue mobility, and thermodynamic stability) performed at Invitae indicates that this missense variant is expected to disrupt ACADVL protein function. This variant has not been reported in the literature in individuals affected with ACADVL-related conditions. This variant is not present in population databases (gnomAD no frequency).